The following is an entry in ClinVar:

ClinVar aggregate classification (germline): Likely pathogenic (1 of 4 stars; one submission).

Conditions:
Deficiency of butyryl-CoA dehydrogenase (ACADSD). Also called: SCAD DEFICIENCY, MILD; ACYL-CoA DEHYDROGENASE, SHORT-CHAIN, DEFICIENCY OF; SCAD Deficiency; SCADH DEFICIENCY; ACADS DEFICIENCY; Short-Chain Acyl-CoA Dehydrogenase Deficiency. Identifiers: Orphanet 26792, MedGen C0342783, MONDO:0008722, OMIM 201470. Disease mechanism: May be benign.

Submission:

Labcorp Genetics (formerly Invitae), Labcorp
Classification: Likely pathogenic for Deficiency of butyryl-CoA dehydrogenase. Last evaluated: 2023-11-24. Review status: criteria provided, single submitter. Criteria: Invitae Variant Classification Sherloc (09022015). Collection method: clinical testing. Allele origin: germline.
Comment: This sequence change affects a donor splice site in intron 4 of the ACADS gene. It is expected to disrupt RNA splicing. Variants that disrupt the donor or acceptor splice site typically lead to a loss of protein function (PMID: 16199547), and loss-of-function variants in ACADS are known to be pathogenic (PMID: 12736383, 18523805). This variant is not present in population databases (gnomAD no frequency). This variant has not been reported in the literature in individuals affected with ACADS-related conditions. Algorithms developed to predict the effect of sequence changes on RNA splicing suggest that this variant may disrupt the consensus splice site. In summary, the currently available evidence indicates that the variant is pathogenic, but additional data are needed to prove that conclusively. Therefore, this variant has been classified as Likely Pathogenic.

Literature cited by the submitters: PubMed 16199547; PubMed 12736383; PubMed 18523805.

NM_000017.4(ACADS):c.472+1G>T

Gene: ACADS (acyl-CoA dehydrogenase short chain; plus strand). Cytogenetic location: 12q24.31.
Variant type: single nucleotide variant.
Coding change: c.472+1G>T on transcript NM_000017.4 (MANE Select); the canonical splice donor site of the intron after coding-DNA position 472, G replaced by T.
Molecular consequence: splice donor variant.
Genome position (GRCh38, 1-based): chr12:120,737,468, G>T. VCF-style: chr12-120737468-G-T. GRCh37 (hg19) VCF-style: chr12-121175271-G-T.
Other names: c.472+1G>T (NM_001302554.2).
Identifiers: ClinVar variation 2825164 (VCV002825164.3), dbSNP rs1883493225, ClinGen allele CA386614484.
Genomic context (GRCh38, chr12:120,737,468, plus strand): 5'-CGTGGGTCACGCCTTTCACCAGTGGTGACAAAATTGGCTGCTTTGCCCTCAGCGAACCAG[G>T]TACCTGCCCTGTCCCCTCACCTGTCCTTAGGGTGACAGGCCCAGAGGGGAGGAGAGGAAG-3'